The following is an entry in ClinVar:

NM_173354.5(SIK1):c.499+4C>T

Gene: SIK1 (salt inducible kinase 1; minus strand). Cytogenetic location: 21q22.3.
Variant type: single nucleotide variant.
Coding change: c.499+4C>T on transcript NM_173354.5 (MANE Select); 4 bases into the intron after coding-DNA position 499, C replaced by T.
Molecular consequence: intron variant.
Genome position (GRCh38, 1-based): chr21:43,421,634, G>A on the plus strand (C>T on the coding strand, the complement: SIK1 is on the minus strand). VCF-style: chr21-43421634-G-A. GRCh37 (hg19) VCF-style: chr21-44841514-G-A.
Identifiers: ClinVar variation 1370707 (VCV001370707.6), dbSNP rs558742499, ClinGen allele CA321328088.

ClinVar aggregate classification (germline): Uncertain significance (1 of 4 stars; one submission).

Conditions:
Developmental and epileptic encephalopathy, 30 (DEE30). Also called: Epileptic encephalopathy, early infantile, 30. Identifiers: MedGen C4225360, MONDO:0014595, OMIM 616341.

Allele frequency attached by ClinVar (database versions not stated): gnomAD exomes 0.00001; 1000 Genomes Project 0.00020; ExAC 0.00001.

Submission:

Labcorp Genetics (formerly Invitae), Labcorp
Classification: Uncertain significance for Developmental and epileptic encephalopathy, 30. Last evaluated: 2024-11-09. Review status: criteria provided, single submitter. Criteria: Invitae Variant Classification Sherloc (09022015). Collection method: clinical testing. Allele origin: germline.
Comment: This sequence change falls in intron 5 of the SIK1 gene. It does not directly change the encoded amino acid sequence of the SIK1 protein. It affects a nucleotide within the consensus splice site. This variant is present in population databases (rs558742499, gnomAD 0.003%). This variant has not been reported in the literature in individuals affected with SIK1-related conditions. ClinVar contains an entry for this variant (Variation ID: 1370707). Variants that disrupt the consensus splice site are a relatively common cause of aberrant splicing (PMID: 17576681, 9536098). Algorithms developed to predict the effect of sequence changes on RNA splicing suggest that this variant may disrupt the consensus splice site. In summary, the available evidence is currently insufficient to determine the role of this variant in disease. Therefore, it has been classified as a Variant of Uncertain Significance.

Literature cited by the submitters: PubMed 17576681; PubMed 9536098.